The following is an entry in ClinVar:

ClinVar aggregate classification (germline): Uncertain significance (1 of 4 stars; one submission).

Conditions:
Cystic fibrosis (CF). Also called: MUCOVISCIDOSIS. Identifiers: Orphanet 586, MedGen C0010674, MONDO:0009061, OMIM 219700. Disease mechanism: loss of function.

Submission:

Ambry Genetics
Classification: Uncertain significance for Cystic fibrosis. Last evaluated: 2018-09-22. Review status: criteria provided, single submitter. Criteria: Ambry Variant Classification Scheme 2023. Collection method: clinical testing. Allele origin: germline.
Comment: The p.I752F variant (also known as c.2254A>T), located in coding exon 14 of the CFTR gene, results from an A to T substitution at nucleotide position 2254. The isoleucine at codon 752 is replaced by phenylalanine, an amino acid with highly similar properties. This amino acid position is poorly conserved in available vertebrate species. In addition, the in silico prediction for this alteration is inconclusive. Since supporting evidence is limited at this time, the clinical significance of this alteration remains unclear.

NM_000492.4(CFTR):c.2254A>T (p.Ile752Phe)

Gene: CFTR (CF transmembrane conductance regulator; plus strand). Cytogenetic location: 7q31.2.
Variant type: single nucleotide variant.
Coding change: c.2254A>T on transcript NM_000492.4 (MANE Select); coding-DNA position 2254, A replaced by T.
Protein change: p.Ile752Phe; replaces isoleucine 752 with phenylalanine.
Molecular consequence: missense variant.
Genome position (GRCh38, 1-based): chr7:117,592,421, A>T. VCF-style: chr7-117592421-A-T. GRCh37 (hg19) VCF-style: chr7-117232475-A-T.
Other names: short protein forms I752F.
Identifiers: ClinVar variation 1788488 (VCV001788488.2), dbSNP rs2485110373, ClinGen allele CA368980656.